The following is an entry in ClinVar:

NM_000346.4(SOX9):c.327G>T (p.Met109Ile)

Genes: SOX9 (SRY-box transcription factor 9; plus strand), LOC108021846 (SOX9 promoter region; plus strand). Cytogenetic location: 17q24.3.
Variant type: single nucleotide variant.
Coding change: c.327G>T on transcript NM_000346.4 (MANE Select); coding-DNA position 327, G replaced by T.
Protein change: p.Met109Ile; replaces methionine 109 with isoleucine.
Molecular consequence: missense variant.
Genome position (GRCh38, 1-based): chr17:72,121,718, G>T. VCF-style: chr17-72121718-G-T. GRCh37 (hg19) VCF-style: chr17-70117859-G-T.
Other names: short protein forms M109I.
Identifiers: ClinVar variation 1809734 (VCV001809734.1), dbSNP rs2143239984, ClinGen allele CA400866020.

ClinVar aggregate classification (germline): Likely pathogenic (1 of 4 stars; one submission).

Submission:

Athena Diagnostics
Classification: Likely pathogenic. Last evaluated: 2021-03-16. Review status: criteria provided, single submitter. Criteria: Athena Diagnostics Criteria. Collection method: clinical testing. Allele origin: unknown.
Comment: This variant has not been reported in large, multi-ethnic general populations. Computational tools yielded predictions that this amino acid change may be damaging to the protein. This observation is not an independent occurrence and has been identified in the same individual by RCIGM, the other laboratory participating in the GEMINI study.